The following is an entry in ClinVar:

NM_002615.7(SERPINF1):c.277T>C (p.Ser93Pro)

Genes: SERPINF1 (serpin family F member 1; plus strand), LOC130059892 (ATAC-STARR-seq lymphoblastoid active region 11457; plus strand). Cytogenetic location: 17p13.3.
Variant type: single nucleotide variant.
Coding change: c.277T>C on transcript NM_002615.7 (MANE Select); coding-DNA position 277, T replaced by C.
Protein change: p.Ser93Pro; replaces serine 93 with proline.
Molecular consequence: missense variant. On other transcripts: 5 prime UTR variant (1).
Genome position (GRCh38, 1-based): chr17:1,770,044, T>C. VCF-style: chr17-1770044-T-C. GRCh37 (hg19) VCF-style: chr17-1673338-T-C.
Other names: p.Ser93Pro; c.277T>C, p.Ser93Pro (NM_001329903.2); c.-285T>C (NM_001329904.2); short protein forms S93P.
Identifiers: ClinVar variation 2578340 (VCV002578340.2), dbSNP rs2543477084, ClinGen allele CA397584292.

ClinVar aggregate classification (germline): Uncertain significance (1 of 4 stars; one submission).

Conditions:
Osteogenesis imperfecta type 6. Also called: Osteogenesis imperfecta, type VI. Identifiers: Orphanet 666, MedGen C3279564, MONDO:0013515, OMIM 613982.

Submission:

Foundation for Research in Genetics and Endocrinology, FRIGE's Institute of Human Genetics
Classification: Uncertain significance for Osteogenesis imperfecta type 6. Last evaluated: 2023-09-02. Review status: criteria provided, single submitter. Criteria: ACMG Guidelines, 2015. Collection method: clinical testing. Allele origin: germline. Inheritance: Autosomal recessive inheritance. Affected: yes. Observed: 1 homozygote.
Comment: A homozygous missense variant in exon 3 of the SERPINF1 gene that results in the amino acid substitution of Proline for Serine at codon 93 (p.Ser93Pro) was detected. The p.Ser93Pro variant has not been reported in the 1000 genomes, gnomAD (v3.1), gnomdAD (v2) and topmed databases. The in silico predictions of the variant are probably damaging by PolyPhen-2 (HumDiv) and damaging by SIFT, LRT and MutationTaster2. The reference codon is conserved across species. In summary, the variant meets our criteria to be classified as a variant of uncertain significance.